The following is an entry in ClinVar:

NM_000038.6(APC):c.1408+3A>G

Gene: APC (APC regulator of Wnt signaling pathway; plus strand). Cytogenetic location: 5q22.2.
Variant type: single nucleotide variant.
Coding change: c.1408+3A>G on transcript NM_000038.6 (MANE Select); 3 bases into the intron after coding-DNA position 1408, A replaced by G.
Molecular consequence: intron variant.
Genome position (GRCh38, 1-based): chr5:112,821,994, A>G. VCF-style: chr5-112821994-A-G. GRCh37 (hg19) VCF-style: chr5-112157691-A-G.
Other names: c.1408+3A>G (NM_001354895.2, NM_001127510.3, NM_001354896.2); c.1438+3A>G (NM_001354897.2); c.1135+3A>G (NM_001354902.2); c.1354+3A>G (NM_001127511.3); c.1333+3A>G (NM_001354898.2); c.1030+3A>G (NM_001354904.2); c.559+3A>G (NM_001354906.2); c.1105+3A>G (NM_001354903.2); and 3 more.
Identifiers: ClinVar variation 469705 (VCV000469705.68), dbSNP rs534358523, ClinGen allele CA027425.
Genomic context (GRCh38, chr5:112,821,994, plus strand): 5'-TGTGTTCTAATGAAACTTTCATTTGATGAAGAGCATAGACATGCAATGAATGAACTAGGT[A>G]AGACAAAAATGTTTTTTAATGACATAGACAATTACTGGTGGATTTTTAAATCATGGTAGA-3'

ClinVar aggregate classification (germline): Conflicting classifications of pathogenicity. Review status: criteria provided, conflicting classifications (1 of 4 stars). 9 submissions from 9 submitters: Uncertain significance (5); Likely benign (4). Last evaluated 2026-07-15.

Conditions:
Classic or attenuated familial adenomatous polyposis. Identifiers: MedGen CN372698, MONDO:0021057.
APC-related disorder. Also called: APC-related condition.
Hereditary cancer-predisposing syndrome. Also called: Tumor predisposition; Hereditary neoplastic syndrome; Neoplastic Syndromes, Hereditary; Hereditary Cancer Syndrome. Identifiers: Orphanet 140162, MedGen C0027672, MeSH D009386, MONDO:0015356.
Familial adenomatous polyposis 1 (FAP1). Also called: POLYPOSIS, ADENOMATOUS INTESTINAL; FAMILIAL ADENOMATOUS POLYPOSIS 1, ATTENUATED. Identifiers: MedGen C2713442, MONDO:0021056, OMIM 175100. Disease mechanism: loss of function.

Allele frequency attached by ClinVar (database versions not stated): gnomAD exomes below 0.00001 and 0.00003; ExAC 0.00004; TOPMed 0.00005; gnomAD 0.00007; 1000 Genomes Project 0.00040; 1000 Genomes Project 30x 0.00047.
gnomAD v4.1: 16 of 1,597,554 alleles (0.001%); highest among the groups gnomAD compares: African/African-American, 0.017%; no homozygotes.

Submissions (9):

PreventionGenetics, part of Exact Sciences
Classification: Likely benign for APC-related condition. Last evaluated: 2026-07-15. Review status: criteria provided, single submitter. Criteria: ACMG Guidelines, 2015. Collection method: clinical testing. Allele origin: germline.
Comment: This variant is classified as likely benign based on ACMG/AMP sequence variant interpretation guidelines (Richards et al. 2015 PMID: 25741868, with internal and published modifications).

Labcorp Genetics (formerly Invitae), Labcorp
Classification: Likely benign for Familial adenomatous polyposis 1. Last evaluated: 2025-10-27. Review status: criteria provided, single submitter. Criteria: Invitae Variant Classification Sherloc (09022015). Collection method: clinical testing. Allele origin: germline.

Myriad Genetics, Inc.
Classification: Likely benign for Familial adenomatous polyposis 1. Last evaluated: 2025-01-29. Review status: criteria provided, single submitter. Criteria: Myriad Autosomal Dominant, Autosomal Recessive and X-Linked Classification Criteria (2023). Collection method: clinical testing. Allele origin: unknown.
Comment: This variant is considered likely benign. This variant is intronic and is not expected to impact mRNA splicing. This variant has been observed at a population frequency that is significantly greater than expected given the associated disease prevalence and penetrance.

All of Us Research Program, National Institutes of Health
Classification: Uncertain significance for Classic or attenuated familial adenomatous polyposis. Last evaluated: 2024-05-09. Review status: criteria provided, single submitter. Criteria: ACMG Guidelines, 2015. Collection method: clinical testing. Allele origin: germline. Inheritance: Autosomal dominant inheritance. Observed: 2 variant alleles, 2 heterozygotes.
Comment: This variant causes an A to G nucleotide substitution at the +3 position of intron 11 of the APC gene. To our knowledge, functional studies have not been reported for this variant. This variant has not been reported in individuals affected with APC-related disorders in the literature. This variant has been identified in 8/248924 chromosomes in the general population by the Genome Aggregation Database (gnomAD). The available evidence is insufficient to determine the role of this variant in disease conclusively. Therefore, this variant is classified as a Variant of Uncertain Significance.

This study involves interpretation of variants in research participants for the purpose of population health screening. Participant phenotype was not available at the time of variant classification. Additional details can be found in publication PMID: 35346344, PMCID: PMC8962531

Color Diagnostics, LLC DBA Color Health
Classification: Uncertain significance for Hereditary cancer-predisposing syndrome. Last evaluated: 2023-10-26. Review status: criteria provided, single submitter. Criteria: ACMG Guidelines, 2015. Collection method: clinical testing. Allele origin: germline.
Comment: This variant causes an A to G nucleotide substitution at the +3 position of intron 11 of the APC gene. To our knowledge, functional studies have not been reported for this variant. This variant has not been reported in individuals affected with APC-related disorders in the literature. This variant has been identified in 8/248924 chromosomes in the general population by the Genome Aggregation Database (gnomAD). The available evidence is insufficient to determine the role of this variant in disease conclusively. Therefore, this variant is classified as a Variant of Uncertain Significance.

Quest Diagnostics Nichols Institute San Juan Capistrano
Classification: Uncertain significance. Last evaluated: 2022-10-28. Review status: criteria provided, single submitter. Criteria: Quest Diagnostics criteria. Collection method: clinical testing. Allele origin: unknown.
Comment: To the best of our knowledge, the variant has not been reported in the published literature. The frequency of this variant in the general population, 0.00031 (5/16216 chromosomes in African/African American subpopulation), is higher than would generally be expected for pathogenic variants in this gene. Analysis of this variant using software algorithms for the prediction of the effect of nucleotide changes on APC mRNA splicing yielded inconclusive findings . Based on the available information, we are unable to determine the clinical significance of this variant.

St. Jude Molecular Pathology, St. Jude Children's Research Hospital
Classification: Uncertain significance for Familial adenomatous polyposis 1. Last evaluated: 2022-08-15. Review status: criteria provided, single submitter. Criteria: St. Jude Assertion Criteria 2020. Collection method: clinical testing. Allele origin: germline.
Comment: The APC c.1408+3A>G intronic change results from a A to G substitution at the +3 position of intron 11 of the APC gene. This variant has a maximum subpopulation frequency of 0.031% in gnomAD v2.1.1. Algorithms that predict the impact of sequence changes on splicing indicate that this variant does not affect splicing, but to our knowledge these predictions have not been confirmed by functional assays. To our knowledge, this variant has not been reported in individuals with APC-related familial adenomatous polyposis. In summary, the evidence currently available is insufficient to determine the clinical significance of this variant. It has therefore been classified as of uncertain significance.

Women's Health and Genetics/Laboratory Corporation of America, LabCorp
Classification: Uncertain significance. Last evaluated: 2022-05-19. Review status: criteria provided, single submitter. Criteria: LabCorp Variant Classification Summary - May 2015. Collection method: clinical testing. Allele origin: germline.

Ambry Genetics
Classification: Likely benign for Hereditary cancer-predisposing syndrome. Last evaluated: 2019-09-05. Review status: criteria provided, single submitter. Criteria: Ambry Variant Classification Scheme 2023. Collection method: clinical testing. Allele origin: germline.